The following is an entry in ClinVar:

NM_080680.3(COL11A2):c.2506C>A (p.Pro836Thr)

Gene: COL11A2 (collagen type XI alpha 2 chain; minus strand). Cytogenetic location: 6p21.32.
Variant type: single nucleotide variant.
Coding change: c.2506C>A on transcript NM_080680.3 (MANE Select); coding-DNA position 2506, C replaced by A.
Protein change: p.Pro836Thr; replaces proline 836 with threonine.
Molecular consequence: missense variant.
Genome position (GRCh38, 1-based): chr6:33,174,034, G>T on the plus strand (C>A on the coding strand, the complement: COL11A2 is on the minus strand). VCF-style: chr6-33174034-G-T. GRCh37 (hg19) VCF-style: chr6-33141811-G-T.
Other names: c.2326C>A, p.Pro776Thr (NM_001424108.1); c.1660C>A, p.Pro554Thr (NM_001424109.1); c.1480C>A, p.Pro494Thr (NM_001424110.1, NM_001424111.1); c.460C>A, p.Pro154Thr (NM_001424112.1); c.2185C>A, p.Pro729Thr (NM_080679.3); c.2248C>A, p.Pro750Thr (NM_080681.3); short protein forms P494T, P554T, P729T, P154T, P750T, P776T, P836T.
Identifiers: ClinVar variation 4990376 (VCV004990376.1).

ClinVar aggregate classification (germline): Uncertain significance (1 of 4 stars; one submission).

Conditions:
COL11A2-related disorder. Also called: COL11A2-related condition; COL11A2-related disorders.

Submission:

PreventionGenetics, part of Exact Sciences
Classification: Uncertain significance for COL11A2-related condition. Last evaluated: 2025-12-15. Review status: criteria provided, single submitter. Criteria: ACMG Guidelines, 2015. Collection method: clinical testing. Allele origin: germline.
Comment: The COL11A2 c.2506C>A variant is predicted to result in the amino acid substitution p.Pro836Thr. To our knowledge, this variant has not been reported in the literature. This variant is reported in 0.0098% of alleles in individuals of South Asian descent in gnomAD. At this time, the clinical significance of this variant is uncertain due to the absence of conclusive functional and genetic evidence.